The following is an entry in ClinVar:

ClinVar aggregate classification (germline): Uncertain significance. Review status: criteria provided, multiple submitters, no conflicts (2 of 4 stars). 2 submissions from 2 submitters: Uncertain significance (2). Last evaluated 2024-06-10.

Conditions:
Autosomal dominant Parkinson disease 8. Also called: Parkinson disease 8, susceptibility to; LRRK2-Related Parkinson Disease; Parkinson disease 8. Identifiers: Orphanet 411602, MedGen C1846862, MONDO:0011764, OMIM 607060.
Inborn genetic diseases. Identifiers: MedGen C0950123, MeSH D030342.

Allele frequency attached by ClinVar (database versions not stated): gnomAD 0.00001; gnomAD exomes 0.00001; TOPMed 0.00002.
gnomAD v4.1: 9 of 1,613,356 alleles (0.00056%); highest among the groups gnomAD compares: African/African-American, 0.0013%; no homozygotes.

Submissions (2):

Fulgent Genetics
Classification: Uncertain significance for Autosomal dominant Parkinson disease 8. Last evaluated: 2024-06-10. Review status: criteria provided, single submitter. Criteria: ACMG Guidelines, 2015. Collection method: clinical testing. Allele origin: germline.

Ambry Genetics
Classification: Uncertain significance for Inborn genetic diseases. Last evaluated: 2024-01-29. Review status: criteria provided, single submitter. Criteria: Ambry Variant Classification Scheme 2023. Collection method: clinical testing. Allele origin: germline.
Comment: The p.L223R variant (also known as c.668T>G), located in coding exon 6 of the LRRK2 gene, results from a T to G substitution at nucleotide position 668. The leucine at codon 223 is replaced by arginine, an amino acid with dissimilar properties. This amino acid position is conserved. In addition, the in silico prediction for this alteration is inconclusive. Since supporting evidence is limited at this time, the clinical significance of this alteration remains unclear.

NM_198578.4(LRRK2):c.668T>G (p.Leu223Arg)

Gene: LRRK2 (leucine rich repeat kinase 2; plus strand). Cytogenetic location: 12q12.
Variant type: single nucleotide variant.
Coding change: c.668T>G on transcript NM_198578.4 (MANE Select); coding-DNA position 668, T replaced by G.
Protein change: p.Leu223Arg; replaces leucine 223 with arginine.
Molecular consequence: missense variant.
Genome position (GRCh38, 1-based): chr12:40,240,579, T>G. VCF-style: chr12-40240579-T-G. GRCh37 (hg19) VCF-style: chr12-40634381-T-G.
Other names: short protein forms L223R.
Identifiers: ClinVar variation 1754910 (VCV001754910.3), dbSNP rs1446056819, ClinGen allele CA384404869.